The following is an entry in ClinVar:

ClinVar aggregate classification (germline): Uncertain significance (1 of 4 stars; one submission).

Allele frequency attached by ClinVar (database versions not stated): gnomAD exomes below 0.00001.
gnomAD v4.1: 1 of 1,613,122 alleles (0.000062%); highest among the groups gnomAD compares: Non-Finnish European, 0.000085%; no homozygotes.

Submission:

Labcorp Genetics (formerly Invitae), Labcorp
Classification: Uncertain significance. Last evaluated: 2022-05-03. Review status: criteria provided, single submitter. Criteria: Invitae Variant Classification Sherloc (09022015). Collection method: clinical testing. Allele origin: germline.
Comment: In summary, the available evidence is currently insufficient to determine the role of this variant in disease. Therefore, it has been classified as a Variant of Uncertain Significance. Advanced modeling of protein sequence and biophysical properties (such as structural, functional, and spatial information, amino acid conservation, physicochemical variation, residue mobility, and thermodynamic stability) performed at Invitae indicates that this missense variant is not expected to disrupt COL11A1 protein function. This variant has not been reported in the literature in individuals affected with COL11A1-related conditions. This variant is not present in population databases (gnomAD no frequency). This sequence change replaces threonine, which is neutral and polar, with alanine, which is neutral and non-polar, at codon 344 of the COL11A1 protein (p.Thr344Ala).

NM_001854.4(COL11A1):c.1030A>G (p.Thr344Ala)

Gene: COL11A1 (collagen type XI alpha 1 chain; minus strand). Cytogenetic location: 1p21.1.
Variant type: single nucleotide variant.
Coding change: c.1030A>G on transcript NM_001854.4 (MANE Select); coding-DNA position 1030, A replaced by G.
Protein change: p.Thr344Ala; replaces threonine 344 with alanine.
Molecular consequence: missense variant. On other transcripts: non-coding transcript variant (1), intron variant (1).
Genome position (GRCh38, 1-based): chr1:103,022,957, T>C on the plus strand (A>G on the coding strand, the complement: COL11A1 is on the minus strand). VCF-style: chr1-103022957-T-C. GRCh37 (hg19) VCF-style: chr1-103488513-T-C.
Other names: c.913A>G, p.Thr305Ala (NM_001190709.2); c.1066A>G, p.Thr356Ala (NM_080629.3); c.898-1188A>G (NM_080630.4); short protein forms T305A, T344A, T356A.
Identifiers: ClinVar variation 2132240 (VCV002132240.4), dbSNP rs2525583850, ClinGen allele CA341155023.